The following is an entry in ClinVar:

ClinVar aggregate classification (germline): Likely pathogenic (1 of 4 stars; one submission).

Conditions:
Hypercholesterolemia, autosomal dominant, type B (FHCL2). Also called: APOLIPOPROTEIN B-100, FAMILIAL DEFECTIVE; APOLIPOPROTEIN B-100, FAMILIAL LIGAND-DEFECTIVE; HYPERCHOLESTEROLEMIA, FAMILIAL, DUE TO LIGAND-DEFECTIVE APOLIPOPROTEIN B; Familial hypercholesterolemia 2; APOB-Related Familial Hypercholesterolemia, Autosomal Dominant; Familial Hypercholesterolemia Type B. Identifiers: MedGen C1704417, MONDO:0007751, OMIM 144010.

Submission:

Juno Genomics, Hangzhou Juno Genomics, Inc
Classification: Likely pathogenic for Hypercholesterolemia, autosomal dominant, type B. Review status: criteria provided, single submitter. Criteria: ACMG Guidelines, 2015. Collection method: clinical testing. Allele origin: germline.
Comment: Absent from controls (or at extremely low frequency if recessive) in Genome Aggregation Database.;Null variant in a gene where loss of function (LOF) is a known mechanism of disease.

NM_000384.3(APOB):c.5162del (p.Val1721fs)

Gene: APOB (apolipoprotein B; minus strand). Cytogenetic location: 2p24.1.
Variant type: Deletion.
Coding change: c.5162del on transcript NM_000384.3 (MANE Select); coding-DNA position 5162, one base deleted (T; older notation c.5162delT).
Protein change: p.Val1721fs; shifts the reading frame from valine 1721.
Molecular consequence: frameshift variant.
Genome position (GRCh38, 1-based): chr2:21,011,706, A deleted on the plus strand (T on the coding strand, the reverse complement: APOB is on the minus strand). VCF-style (leftmost placement, unchanged base first): chr2-21011705-GA-G. GRCh37 (hg19) VCF-style: chr2-21234577-GA-G.
Other names: short protein forms V1721fs.
Identifiers: ClinVar variation 3381871 (VCV003381871.3).
Genomic context (GRCh38, chr2:21,011,705, plus strand): 5'-GTCATTTGAGAGCTTAAGTCCTTCTTGACTGACCTTGAAGTTGAAAATGTTTTTGCTGTC[GA>G]CACCCAGAATCATGGCCTGATAAGCACTTCCCAGTGATAGCTCTGTGAGGGCGGCTTTCC-3'